The following is an entry in ClinVar:

NM_031418.4(ANO3):c.1883G>C (p.Arg628Pro)

Gene: ANO3 (anoctamin 3; plus strand). Cytogenetic location: 11p14.2.
Variant type: single nucleotide variant.
Coding change: c.1883G>C on transcript NM_031418.4 (MANE Select); coding-DNA position 1883, G replaced by C.
Protein change: p.Arg628Pro; replaces arginine 628 with proline.
Molecular consequence: missense variant.
Genome position (GRCh38, 1-based): chr11:26,634,213, G>C. VCF-style: chr11-26634213-G-C. GRCh37 (hg19) VCF-style: chr11-26655760-G-C.
Other names: c.2066G>C, p.Arg689Pro (NM_001313726.2); c.1445G>C, p.Arg482Pro (NM_001313727.2); short protein forms R689P, R482P, R628P.
Identifiers: ClinVar variation 2861960 (VCV002861960.3), dbSNP rs760680753, ClinGen allele CA379933661.
Genomic context (GRCh38, chr11:26,634,213, plus strand): 5'-TTGATATTCACCTCACCTCACCTGTGTCAATGCAACCTGTGTTCCTTTTAGAATATCCTC[G>C]AACAGAATCAGAGTGGGAAAACAGCTTCGCCCTGAAGATGTTCCTCTTCCAGTTTGTCAA-3'
Protein context (NP_113606.2, residues 618-638): AYLLTNLEYP[Arg628Pro]TESEWENSFA

ClinVar aggregate classification (germline): Uncertain significance (1 of 4 stars; one submission).

Conditions:
Dystonic disorder. Also called: Dystonia. Identifiers: MedGen C0013421, MONDO:0003441, HP:0001332.

Submission:

Labcorp Genetics (formerly Invitae), Labcorp
Classification: Uncertain significance for Dystonic disorder. Last evaluated: 2023-05-04. Review status: criteria provided, single submitter. Criteria: Invitae Variant Classification Sherloc (09022015). Collection method: clinical testing. Allele origin: germline.
Comment: In summary, the available evidence is currently insufficient to determine the role of this variant in disease. Therefore, it has been classified as a Variant of Uncertain Significance. Advanced modeling of protein sequence and biophysical properties (such as structural, functional, and spatial information, amino acid conservation, physicochemical variation, residue mobility, and thermodynamic stability) performed at Invitae indicates that this missense variant is not expected to disrupt ANO3 protein function. This variant has not been reported in the literature in individuals affected with ANO3-related conditions. This variant is not present in population databases (gnomAD no frequency). This sequence change replaces arginine, which is basic and polar, with proline, which is neutral and non-polar, at codon 628 of the ANO3 protein (p.Arg628Pro).